The following is an entry in ClinVar:

ClinVar aggregate classification (germline): Uncertain significance (1 of 4 stars; one submission).

Submission:

Labcorp Genetics (formerly Invitae), Labcorp
Classification: Uncertain significance. Last evaluated: 2022-03-28. Review status: criteria provided, single submitter. Criteria: Invitae Variant Classification Sherloc (09022015). Collection method: clinical testing. Allele origin: germline.
Comment: In summary, the available evidence is currently insufficient to determine the role of this variant in disease. Therefore, it has been classified as a Variant of Uncertain Significance. This sequence change replaces serine, which is neutral and polar, with threonine, which is neutral and polar, at codon 730 of the NEXMIF protein (p.Ser730Thr). This variant is not present in population databases (gnomAD no frequency). This variant has not been reported in the literature in individuals affected with NEXMIF-related conditions. Algorithms developed to predict the effect of missense changes on protein structure and function are either unavailable or do not agree on the potential impact of this missense change (SIFT: "Tolerated"; PolyPhen-2: "Possibly Damaging"; Align-GVGD: "Class C0").

NM_001008537.3(NEXMIF):c.2188T>A (p.Ser730Thr)

Gene: NEXMIF (neurite extension and migration factor; minus strand). Cytogenetic location: Xq13.3.
Variant type: single nucleotide variant.
Coding change: c.2188T>A on transcript NM_001008537.3 (MANE Select); coding-DNA position 2188, T replaced by A.
Protein change: p.Ser730Thr; replaces serine 730 with threonine.
Molecular consequence: missense variant.
Genome position (GRCh38, 1-based): chrX:74,742,369, A>T on the plus strand (T>A on the coding strand, the complement: NEXMIF is on the minus strand). VCF-style: chrX-74742369-A-T. GRCh37 (hg19) VCF-style: chrX-73962204-A-T.
Other names: short protein forms S730T.
Identifiers: ClinVar variation 2118826 (VCV002118826.4), dbSNP rs2519914371, ClinGen allele CA413668779.